The following is an entry in ClinVar:

NM_000264.5(PTCH1):c.1940G>T (p.Ser647Ile)

Genes: PTCH1 (patched 1; minus strand), LOC100507346 (uncharacterized LOC100507346; plus strand). Cytogenetic location: 9q22.32.
Variant type: single nucleotide variant.
Coding change: c.1940G>T on transcript NM_000264.5 (MANE Select); coding-DNA position 1940, G replaced by T.
Protein change: p.Ser647Ile; replaces serine 647 with isoleucine.
Molecular consequence: missense variant. On other transcripts: non-coding transcript variant (2).
Genome position (GRCh38, 1-based): chr9:95,469,061, C>A on the plus strand (G>T on the coding strand, the complement: PTCH1 is on the minus strand). VCF-style: chr9-95469061-C-A. GRCh37 (hg19) VCF-style: chr9-98231343-C-A.
Other names: c.1742G>T, p.Ser581Ile (NM_001083602.3); c.1937G>T, p.Ser646Ile (NM_001083603.3); c.1487G>T, p.Ser496Ile (NM_001083604.3, NM_001083605.3, NM_001083606.3 and 1 more transcripts); c.1784G>T, p.Ser595Ile (NM_001354918.2); short protein forms S595I, S647I, S496I, S581I, S646I.
Identifiers: ClinVar variation 3939951 (VCV003939951.1).

ClinVar aggregate classification (germline): Uncertain significance (1 of 4 stars; one submission).

Conditions:
Hereditary cancer-predisposing syndrome. Also called: Tumor predisposition; Hereditary neoplastic syndrome; Hereditary Cancer Syndrome; Neoplastic Syndromes, Hereditary. Identifiers: Orphanet 140162, MedGen C0027672, MeSH D009386, MONDO:0015356.

gnomAD v4.1: 1 of 1,613,948 alleles (0.000062%); highest among the groups gnomAD compares: African/African-American, 0.0013%; no homozygotes.

Submission:

Ambry Genetics
Classification: Uncertain significance for Hereditary cancer-predisposing syndrome. Last evaluated: 2025-04-16. Review status: criteria provided, single submitter. Criteria: Ambry Variant Classification Scheme 2023. Collection method: clinical testing. Allele origin: germline.
Comment: The p.S647I variant (also known as c.1940G>T), located in coding exon 14 of the PTCH1 gene, results from a G to T substitution at nucleotide position 1940. The serine at codon 647 is replaced by isoleucine, an amino acid with dissimilar properties. This amino acid position is conserved. In addition, this alteration is predicted to be deleterious by in silico analysis. Based on the available evidence, the clinical significance of this variant remains unclear.